The following is an entry in ClinVar:

ClinVar aggregate classification (germline): Uncertain significance. Review status: criteria provided, multiple submitters, no conflicts (2 of 4 stars). 2 submissions from 2 submitters: Uncertain significance (2). Last evaluated 2024-10-22.

Conditions:
RYR1-related disorder. Also called: RYR1-related condition; RYR1-related disorders. Identifiers: MedGen CN239331.
Malignant hyperthermia, susceptibility to, 1 (MHS1). Also called: RYR1-Related Malignant Hyperthermia Susceptibility; Anesthesia related hyperthermia; Malignant hyperpyrexia; Fulminating hyperpyrexia; Pharmacogenic myopathy; Malignant hyperthermia suceptibility 1. Identifiers: Orphanet 423, MedGen C2930980, MONDO:0007783, OMIM 145600.

gnomAD v4.1: 4 of 1,613,094 alleles (0.00025%); highest among the groups gnomAD compares: Non-Finnish European, 0.00025%; no homozygotes.

Submissions (2):

Labcorp Genetics (formerly Invitae), Labcorp
Classification: Uncertain significance for RYR1-related disorder. Last evaluated: 2024-10-22. Review status: criteria provided, single submitter. Criteria: Invitae Variant Classification Sherloc (09022015). Collection method: clinical testing. Allele origin: germline.
Comment: This sequence change replaces arginine, which is basic and polar, with glycine, which is neutral and non-polar, at codon 2840 of the RYR1 protein (p.Arg2840Gly). This variant is not present in population databases (gnomAD no frequency). This variant has not been reported in the literature in individuals affected with RYR1-related conditions. Invitae Evidence Modeling of protein sequence and biophysical properties (such as structural, functional, and spatial information, amino acid conservation, physicochemical variation, residue mobility, and thermodynamic stability) indicates that this missense variant is not expected to disrupt RYR1 protein function with a negative predictive value of 80%. This variant disrupts the p.Arg2840 amino acid residue in RYR1. Other variant(s) that disrupt this residue have been observed in individuals with RYR1-related conditions (PMID: 16732084, 35178478), which suggests that this may be a clinically significant amino acid residue. In summary, the available evidence is currently insufficient to determine the role of this variant in disease. Therefore, it has been classified as a Variant of Uncertain Significance.

All of Us Research Program, National Institutes of Health
Classification: Uncertain significance for Malignant hyperthermia, susceptibility to, 1. Last evaluated: 2023-02-24. Review status: criteria provided, single submitter. Criteria: ACMG Guidelines, 2015. Collection method: clinical testing. Allele origin: germline. Inheritance: Autosomal dominant inheritance. Observed: 1 variant allele, 1 heterozygote.
Comment: This missense variant replaces arginine with glycine at codon 2840 of the RYR1 protein. Computational prediction is inconclusive regarding the impact of this variant on protein structure and function (internally defined REVEL score threshold 0.5 < inconclusive < 0.7, PMID: 27666373). To our knowledge, functional studies have not been reported for this variant. This variant has not been reported in individuals affected with RYR1-related disorders in the literature. This variant has not been identified in the general population by the Genome Aggregation Database (gnomAD). The available evidence is insufficient to determine the role of this variant in disease conclusively. Therefore, this variant is classified as a Variant of Uncertain Significance.

This study involves interpretation of variants in research participants for the purpose of population health screening. Participant phenotype was not available at the time of variant classification. Additional details can be found in publication PMID: 35346344, PMCID: PMC8962531

Literature cited by the submitters: PubMed 16732084 (cited by Labcorp Genetics (formerly Invitae), Labcorp); PubMed 35178478 (cited by Labcorp Genetics (formerly Invitae), Labcorp).

NM_000540.3(RYR1):c.8518C>G (p.Arg2840Gly)

Genes: RYR1 (ryanodine receptor 1; plus strand), LOC126862902 (BRD4-independent group 4 enhancer GRCh37_chr19:38995830-38997029; plus strand). Cytogenetic location: 19q13.2.
Variant type: single nucleotide variant.
Coding change: c.8518C>G on transcript NM_000540.3 (MANE Select); coding-DNA position 8518, C replaced by G.
Protein change: p.Arg2840Gly; replaces arginine 2840 with glycine.
Molecular consequence: missense variant.
Genome position (GRCh38, 1-based): chr19:38,505,923, C>G. VCF-style: chr19-38505923-C-G. GRCh37 (hg19) VCF-style: chr19-38996563-C-G.
Other names: c.8518C>G, p.Arg2840Gly (NM_001042723.2); short protein forms R2840G.
Identifiers: ClinVar variation 3069702 (VCV003069702.2), dbSNP rs193922830, ClinGen allele CA405678973.
Genomic context (GRCh38, chr19:38,505,923, plus strand): 5'-GAATGGACGATAGAGAAGGCCAGGGAGGGTGAGGAGGAGAAGACGGAAAAGAAAAAAACG[C>G]GGAAGATATCACAAAGTGCCCAGGTGAAGGCGGGGCCTGGGTGGAGGGCAGGGGCACGAT-3'
Protein context (NP_000531.2, residues 2830-2850): EEEKTEKKKT[Arg2840Gly]KISQSAQTYD